The following is an entry in ClinVar:

ClinVar aggregate classification (germline): Uncertain significance (1 of 4 stars; one submission).

gnomAD v4.1: 1 of 1,613,552 alleles (0.000062%); highest among the groups gnomAD compares: Non-Finnish European, 0.000085%; no homozygotes.

Submission:

Labcorp Genetics (formerly Invitae), Labcorp
Classification: Uncertain significance. Last evaluated: 2024-02-05. Review status: criteria provided, single submitter. Criteria: Invitae Variant Classification Sherloc (09022015). Collection method: clinical testing. Allele origin: germline.
Comment: This sequence change replaces glutamic acid, which is acidic and polar, with lysine, which is basic and polar, at codon 281 of the COL4A2 protein (p.Glu281Lys). This variant is not present in population databases (gnomAD no frequency). This variant has not been reported in the literature in individuals affected with COL4A2-related conditions. Advanced modeling of protein sequence and biophysical properties (such as structural, functional, and spatial information, amino acid conservation, physicochemical variation, residue mobility, and thermodynamic stability) performed at Invitae indicates that this missense variant is not expected to disrupt COL4A2 protein function with a negative predictive value of 95%. In summary, the available evidence is currently insufficient to determine the role of this variant in disease. Therefore, it has been classified as a Variant of Uncertain Significance.

NM_001846.4(COL4A2):c.841G>A (p.Glu281Lys)

Gene: COL4A2 (collagen type IV alpha 2 chain; plus strand). Cytogenetic location: 13q34.
Variant type: single nucleotide variant.
Coding change: c.841G>A on transcript NM_001846.4 (MANE Select); coding-DNA position 841, G replaced by A.
Protein change: p.Glu281Lys; replaces glutamic acid 281 with lysine.
Molecular consequence: missense variant.
Genome position (GRCh38, 1-based): chr13:110,438,017, G>A. VCF-style: chr13-110438017-G-A. GRCh37 (hg19) VCF-style: chr13-111090364-G-A.
Other names: short protein forms E281K.
Identifiers: ClinVar variation 3609853 (VCV003609853.2).
Genomic context (GRCh38, chr13:110,438,017, plus strand): 5'-ATCCTCAAATTAATAAGCGTTTCTTATTTTTCATATTCTTCACAGGGTGAAAAAGGCAGT[G>A]AGGGGGAACCAGGAATAAGAGTAAGTCGAGTAATGAGCATGCCCCCTCCCCTGTGGCTCC-3'
Protein context (NP_001837.2, residues 271-291): PDQYKGEKGS[Glu281Lys]GEPGIRGISL